The following is an entry in ClinVar:

NM_006440.5(TXNRD2):c.593T>C (p.Ile198Thr)

Gene: TXNRD2 (thioredoxin reductase 2; minus strand). Cytogenetic location: 22q11.21.
Variant type: single nucleotide variant.
Coding change: c.593T>C on transcript NM_006440.5 (MANE Select); coding-DNA position 593, T replaced by C.
Protein change: p.Ile198Thr; replaces isoleucine 198 with threonine.
Molecular consequence: missense variant. On other transcripts: non-coding transcript variant (1).
Genome position (GRCh38, 1-based): chr22:19,911,446, A>G on the plus strand (T>C on the coding strand, the complement: TXNRD2 is on the minus strand). VCF-style: chr22-19911446-A-G. GRCh37 (hg19) VCF-style: chr22-19898969-A-G.
Other names: c.593T>C, p.Ile198Thr (NM_001282512.3); c.590T>C, p.Ile197Thr (NM_001352300.2); c.503T>C, p.Ile168Thr (NM_001352301.2); c.305T>C, p.Ile102Thr (NM_001352302.2); c.497T>C, p.Ile166Thr (NM_001352303.2); short protein forms I102T, I197T, I198T, I166T, I168T.
Identifiers: ClinVar variation 2918142 (VCV002918142.4), dbSNP rs2517370188, ClinGen allele CA410691502.

ClinVar aggregate classification (germline): Uncertain significance. Review status: criteria provided, multiple submitters, no conflicts (2 of 4 stars). 2 submissions from 2 submitters: Uncertain significance (2). Last evaluated 2024-03-08.

Conditions:
Primary dilated cardiomyopathy (DCM). Also called: Dilated Cardiomyopathy. Identifiers: Orphanet 217604, MedGen C0007193, MeSH D002311, MONDO:0005021, HP:0001644. Inheritance: Various modes of inheritance.
Cardiovascular phenotype. Identifiers: MedGen CN230736.

Allele frequency attached by ClinVar (database versions not stated): gnomAD exomes below 0.00001.
gnomAD v4.1: 4 of 1,613,430 alleles (0.00025%); highest among the groups gnomAD compares: South Asian, 0.0011%; no homozygotes.

Submissions (2):

Ambry Genetics
Classification: Uncertain significance for Cardiovascular phenotype. Last evaluated: 2024-03-08. Review status: criteria provided, single submitter. Criteria: Ambry Variant Classification Scheme 2023. Collection method: clinical testing. Allele origin: germline.
Comment: The p.I198T variant (also known as c.593T>C), located in coding exon 8 of the TXNRD2 gene, results from a T to C substitution at nucleotide position 593. The isoleucine at codon 198 is replaced by threonine, an amino acid with similar properties. This amino acid position is conserved. In addition, this alteration is predicted to be tolerated by in silico analysis. Based on the available evidence, the clinical significance of this alteration remains unclear.

Labcorp Genetics (formerly Invitae), Labcorp
Classification: Uncertain significance for Primary dilated cardiomyopathy. Last evaluated: 2023-07-19. Review status: criteria provided, single submitter. Criteria: Invitae Variant Classification Sherloc (09022015). Collection method: clinical testing. Allele origin: germline.
Comment: This variant has not been reported in the literature in individuals affected with TXNRD2-related conditions. This variant is not present in population databases (gnomAD no frequency). This sequence change replaces isoleucine, which is neutral and non-polar, with threonine, which is neutral and polar, at codon 198 of the TXNRD2 protein (p.Ile198Thr). An algorithm developed to predict the effect of missense changes on protein structure and function (PolyPhen-2) suggests that this variant is likely to be tolerated. In summary, the available evidence is currently insufficient to determine the role of this variant in disease. Therefore, it has been classified as a Variant of Uncertain Significance.